The following is an entry in ClinVar:

NM_001267550.2(TTN):c.61187T>G (p.Leu20396Arg)

Genes: TTN (titin; minus strand), TTN-AS1 (TTN antisense RNA 1; plus strand). Cytogenetic location: 2q31.2.
Variant type: single nucleotide variant.
Coding change: c.61187T>G on transcript NM_001267550.2 (MANE Select); coding-DNA position 61187, T replaced by G.
Protein change: p.Leu20396Arg; replaces leucine 20396 with arginine.
Molecular consequence: missense variant.
Genome position (GRCh38, 1-based): chr2:178,590,538, A>C on the plus strand (T>G on the coding strand, the complement: TTN is on the minus strand). VCF-style: chr2-178590538-A-C. GRCh37 (hg19) VCF-style: chr2-179455265-A-C.
Other names: c.56264T>G, p.Leu18755Arg (NM_001256850.1); c.33992T>G, p.Leu11331Arg (NM_003319.4); c.53483T>G, p.Leu17828Arg (NM_133378.4); c.34367T>G, p.Leu11456Arg (NM_133432.3); c.34568T>G, p.Leu11523Arg (NM_133437.4); short protein forms L18755R, L20396R, L11331R, L11456R, L11523R, L17828R.
Identifiers: ClinVar variation 1708836 (VCV001708836.2), dbSNP rs2049986459, ClinGen allele CA349475363.

ClinVar aggregate classification (germline): Uncertain significance (1 of 4 stars; one submission).

gnomAD v4.1: 2 of 1,612,874 alleles (0.00012%); highest among the groups gnomAD compares: Non-Finnish European, 0.00017%; no homozygotes.

Submission:

GeneDx
Classification: Uncertain significance. Last evaluated: 2022-04-04. Review status: criteria provided, single submitter. Criteria: GeneDx Variant Classification Process June 2021. Collection method: clinical testing. Allele origin: germline. Affected: yes.
Comment: Not observed at significant frequency in large population cohorts (gnomAD); Missense variant in a gene in which most reported pathogenic variants are truncating/loss of function; Has not been previously published as pathogenic or benign to our knowledge